The following is an entry in ClinVar:

NM_014244.5(ADAMTS2):c.138A>G (p.Pro46=)

Gene: ADAMTS2 (ADAM metallopeptidase with thrombospondin type 1 motif 2; minus strand). Cytogenetic location: 5q35.3.
Variant type: single nucleotide variant.
Coding change: c.138A>G on transcript NM_014244.5 (MANE Select); coding-DNA position 138, A replaced by G.
Protein change: p.Pro46=; no amino-acid change (proline 46 retained).
Molecular consequence: synonymous variant.
Genome position (GRCh38, 1-based): chr5:179,345,191, T>C on the plus strand (A>G on the coding strand, the complement: ADAMTS2 is on the minus strand). VCF-style: chr5-179345191-T-C. GRCh37 (hg19) VCF-style: chr5-178772192-T-C.
Other names: c.138A>G, p.Pro46= (NM_021599.4).
Identifiers: ClinVar variation 664790 (VCV000664790.5), dbSNP rs1181728258, ClinGen allele CA448236940.

ClinVar aggregate classification (germline): Conflicting classifications of pathogenicity. Review status: criteria provided, conflicting classifications (1 of 4 stars). 3 submissions from 3 submitters: Uncertain significance (1); Likely benign (1). 1 of the submissions does not count toward it. Last evaluated 2023-10-17.

Conditions:
Ehlers-Danlos syndrome, dermatosparaxis type. Also called: EDS VIIC; Dermatosparaxis; Ehlers-Danlos syndrome, type VII, autosomal recessive. Identifiers: Orphanet 1901, MedGen C2700425, MONDO:0009161, OMIM 225410.

Allele frequency attached by ClinVar (database versions not stated): gnomAD below 0.00001 and 0.00001; 1000 Genomes Project 30x 0.00016.
gnomAD v4.1: 23 of 1,108,072 alleles (0.0021%); highest among the groups gnomAD compares: South Asian, 0.094%; 2 homozygotes.

Submissions (3):

Blueprint Genetics
Classification: Likely benign. Last evaluated: 2023-10-17. Review status: criteria provided, single submitter. Criteria: ACMG Guidelines, 2015. Collection method: clinical testing. Allele origin: germline.

Labcorp Genetics (formerly Invitae), Labcorp
Classification: Uncertain significance for Ehlers-Danlos syndrome, dermatosparaxis type. Last evaluated: 2018-10-16. Review status: criteria provided, single submitter. Criteria: Invitae Variant Classification Sherloc (09022015). Collection method: clinical testing. Allele origin: germline.
Comment: This sequence change affects codon 46 of the ADAMTS2 mRNA. It is a 'silent' change, meaning that it does not change the encoded amino acid sequence of the ADAMTS2 protein. The frequency data for this variant in the population databases is considered unreliable, as metrics indicate insufficient coverage at this position in the ExAC database. This variant has not been reported in the literature in individuals with ADAMTS2-related disease. Algorithms developed to predict the effect of sequence changes on RNA splicing suggest that this variant may disrupt the consensus splice site, but this prediction has not been confirmed by published transcriptional studies. In summary, the available evidence is currently insufficient to determine the role of this variant in disease. Therefore, it has been classified as a Variant of Uncertain Significance.

Natera, Inc.
Classification: Uncertain significance for Ehlers-Danlos syndrome type VIIC. Last evaluated: 2020-01-04. Review status: no assertion criteria provided. Collection method: clinical testing. Allele origin: germline. Not counted in ClinVar's aggregate classification.